The following is an entry in ClinVar:

NM_004168.4(SDHA):c.1669G>A (p.Val557Ile)

Gene: SDHA (succinate dehydrogenase complex flavoprotein subunit A; plus strand). Cytogenetic location: 5p15.33.
Variant type: single nucleotide variant.
Coding change: c.1669G>A on transcript NM_004168.4 (MANE Select); coding-DNA position 1669, G replaced by A.
Protein change: p.Val557Ile; replaces valine 557 with isoleucine.
Molecular consequence: missense variant. On other transcripts: intron variant (1).
Genome position (GRCh38, 1-based): chr5:251,343, G>A. VCF-style: chr5-251343-G-A. GRCh37 (hg19) VCF-style: chr5-251458-G-A.
Other names: c.1525G>A, p.Val509Ile (NM_001294332.2); c.1552-3050G>A (NM_001330758.2); c.1669G>A (NM_004168.2); short protein forms V509I, V557I.
Identifiers: ClinVar variation 2946099 (VCV002946099.4), dbSNP rs2477457646, ClinGen allele CA358999849.

ClinVar aggregate classification (germline): Uncertain significance. Review status: criteria provided, multiple submitters, no conflicts (2 of 4 stars). 2 submissions from 2 submitters: Uncertain significance (2). Last evaluated 2024-05-24.

Conditions:
Mitochondrial complex II deficiency, nuclear type 1. Also called: SUCCINATE CoQ REDUCTASE DEFICIENCY. Identifiers: Orphanet 3208, MedGen C5700310, MONDO:0100294, OMIM 252011.
Pheochromocytoma/paraganglioma syndrome 5. Also called: Paragangliomas 5; SDHA-Related Hereditary Paraganglioma-Pheochromocytoma Syndrome. Identifiers: Orphanet 29072, MedGen C3279992, MONDO:0013602, OMIM 614165.
Hereditary cancer-predisposing syndrome. Also called: Neoplastic Syndromes, Hereditary; Tumor predisposition; Hereditary Cancer Syndrome; Hereditary neoplastic syndrome. Identifiers: Orphanet 140162, MedGen C0027672, MeSH D009386, MONDO:0015356.

Submissions (2):

Ambry Genetics
Classification: Uncertain significance for Hereditary cancer-predisposing syndrome. Last evaluated: 2024-05-24. Review status: criteria provided, single submitter. Criteria: Ambry Variant Classification Scheme 2023. Collection method: clinical testing. Allele origin: germline.
Comment: The p.V557I variant (also known as c.1669G>A), located in coding exon 13 of the SDHA gene, results from a G to A substitution at nucleotide position 1669. The valine at codon 557 is replaced by isoleucine, an amino acid with highly similar properties. This amino acid position is conserved. In addition, the in silico prediction for this alteration is inconclusive. Based on the available evidence, the clinical significance of this variant remains unclear.

Labcorp Genetics (formerly Invitae), Labcorp
Classification: Uncertain significance for Pheochromocytoma/paraganglioma syndrome 5; Mitochondrial complex II deficiency, nuclear type 1. Last evaluated: 2023-04-03. Review status: criteria provided, single submitter. Criteria: Invitae Variant Classification Sherloc (09022015). Collection method: clinical testing. Allele origin: germline.
Comment: In summary, the available evidence is currently insufficient to determine the role of this variant in disease. Therefore, it has been classified as a Variant of Uncertain Significance. Advanced modeling of protein sequence and biophysical properties (such as structural, functional, and spatial information, amino acid conservation, physicochemical variation, residue mobility, and thermodynamic stability) performed at Invitae indicates that this missense variant is not expected to disrupt SDHA protein function. This variant has not been reported in the literature in individuals affected with SDHA-related conditions. This variant is not present in population databases (gnomAD no frequency). This sequence change replaces valine, which is neutral and non-polar, with isoleucine, which is neutral and non-polar, at codon 557 of the SDHA protein (p.Val557Ile).